The following is an entry in ClinVar:

ClinVar aggregate classification (germline): Uncertain significance (1 of 4 stars; one submission).

Submission:

Labcorp Genetics (formerly Invitae), Labcorp
Classification: Uncertain significance. Last evaluated: 2022-01-04. Review status: criteria provided, single submitter. Criteria: Invitae Variant Classification Sherloc (09022015). Collection method: clinical testing. Allele origin: germline.
Comment: This sequence change replaces methionine, which is neutral and non-polar, with valine, which is neutral and non-polar, at codon 881 of the POLR1A protein (p.Met881Val). This variant is not present in population databases (gnomAD no frequency). In summary, the available evidence is currently insufficient to determine the role of this variant in disease. Therefore, it has been classified as a Variant of Uncertain Significance. Algorithms developed to predict the effect of missense changes on protein structure and function are either unavailable or do not agree on the potential impact of this missense change (SIFT: "Not Available"; PolyPhen-2: "Possibly Damaging"; Align-GVGD: "Not Available"). This variant has not been reported in the literature in individuals affected with POLR1A-related conditions.

NM_015425.6(POLR1A):c.2641A>G (p.Met881Val)

Gene: POLR1A (RNA polymerase I subunit A; minus strand). Cytogenetic location: 2p11.2.
Variant type: single nucleotide variant.
Coding change: c.2641A>G on transcript NM_015425.6 (MANE Select); coding-DNA position 2641, A replaced by G.
Protein change: p.Met881Val; replaces methionine 881 with valine.
Molecular consequence: missense variant.
Genome position (GRCh38, 1-based): chr2:86,047,257, T>C on the plus strand (A>G on the coding strand, the complement: POLR1A is on the minus strand). VCF-style: chr2-86047257-T-C. GRCh37 (hg19) VCF-style: chr2-86274380-T-C.
Other names: short protein forms M881V.
Identifiers: ClinVar variation 2073632 (VCV002073632.4), dbSNP rs2466354598, ClinGen allele CA347539894.